The following is an entry in ClinVar:

ClinVar aggregate classification (germline): Uncertain significance (1 of 4 stars; one submission).

Conditions:
Glycogen storage disease due to muscle beta-enolase deficiency (GSD13). Also called: ENOLASE 3 DEFICIENCY; ENOLASE-BETA DEFICIENCY; GSD XIII; Glycogen Storage Disease Type XIII. Identifiers: Orphanet 99849, MedGen C2752027, MONDO:0013046, OMIM 612932.

Allele frequency attached by ClinVar (database versions not stated): TOPMed below 0.00001; gnomAD 0.00001.

Submission:

Labcorp Genetics (formerly Invitae), Labcorp
Classification: Uncertain significance for Glycogen storage disease due to muscle beta-enolase deficiency. Last evaluated: 2022-03-22. Review status: criteria provided, single submitter. Criteria: Invitae Variant Classification Sherloc (09022015). Collection method: clinical testing. Allele origin: germline.
Comment: This variant has not been reported in the literature in individuals affected with ENO3-related conditions. In summary, the available evidence is currently insufficient to determine the role of this variant in disease. Therefore, it has been classified as a Variant of Uncertain Significance. Variants that disrupt the consensus splice site are a relatively common cause of aberrant splicing (PMID: 17576681, 9536098). Algorithms developed to predict the effect of sequence changes on RNA splicing suggest that this variant may disrupt the consensus splice site. This variant is not present in population databases (gnomAD no frequency). This sequence change affects codon 392 of the ENO3 mRNA. It is a 'silent' change, meaning that it does not change the encoded amino acid sequence of the ENO3 protein. This variant also falls at the last nucleotide of exon 10, which is part of the consensus splice site for this exon.

Literature cited by the submitters: PubMed 17576681; PubMed 9536098.

NM_053013.4(ENO3):c.1176G>A (p.Gln392=)

Gene: ENO3 (enolase 3; plus strand). Cytogenetic location: 17p13.2.
Variant type: single nucleotide variant.
Coding change: c.1176G>A on transcript NM_053013.4 (MANE Select); coding-DNA position 1176, G replaced by A.
Protein change: p.Gln392=; no amino-acid change (glutamine 392 retained).
Molecular consequence: synonymous variant.
Genome position (GRCh38, 1-based): chr17:4,956,681, G>A. VCF-style: chr17-4956681-G-A. GRCh37 (hg19) VCF-style: chr17-4859976-G-A.
Other names: c.1047G>A, p.Gln349= (NM_001193503.2); c.1176G>A, p.Gln392= (NM_001374523.1, NM_001976.5); c.1203G>A, p.Gln401= (NM_001374524.1).
Identifiers: ClinVar variation 1966876 (VCV001966876.5), dbSNP rs1971747360, ClinGen allele CA497679508.
Genomic context (GRCh38, chr17:4,956,681, plus strand): 5'-CTCTGGGGAGACTGAGGACACATTCATTGCTGACCTTGTGGTGGGGCTCTGCACAGGACA[G>A]GTACTTGTAGCTTCTCTCTACTGAGTGTCTCACCAAGTTTTCTTGGGGTCCCTGGCCTCC-3'
Protein context (NP_443739.3, residues 382-402): ADLVVGLCTG[Gln392=]IKTGAPCRSE